The following is an entry in ClinVar:

ClinVar aggregate classification (germline): Likely benign (0 of 4 stars; one submission).

Conditions:
SEMA3D-related disorder. Also called: SEMA3D-related condition.

gnomAD v4.1: 13 of 1,610,922 alleles (0.00081%); highest among the groups gnomAD compares: African/African-American, 0.015%; no homozygotes.

Submission:

PreventionGenetics, part of Exact Sciences
Classification: Likely benign for SEMA3D-related condition. Last evaluated: 2023-12-11. Review status: no assertion criteria provided. Collection method: clinical testing. Allele origin: germline.
Comment: This variant is classified as likely benign based on ACMG/AMP sequence variant interpretation guidelines (Richards et al. 2015 PMID: 25741868, with internal and published modifications).

NM_001384900.1(SEMA3D):c.1839T>C (p.Cys613=)

Gene: SEMA3D (semaphorin 3D; minus strand). Cytogenetic location: 7q21.11.
Variant type: single nucleotide variant.
Coding change: c.1839T>C on transcript NM_001384900.1 (MANE Select); coding-DNA position 1839, T replaced by C.
Protein change: p.Cys613=; no amino-acid change (cysteine 613 retained).
Molecular consequence: synonymous variant.
Genome position (GRCh38, 1-based): chr7:85,006,871, A>G on the plus strand (T>C on the coding strand, the complement: SEMA3D is on the minus strand). VCF-style: chr7-85006871-A-G. GRCh37 (hg19) VCF-style: chr7-84636187-A-G.
Other names: c.1839T>C, p.Cys613= (NM_001384901.1, NM_001384902.1, NM_001384903.1 and 1 more transcripts).
Identifiers: ClinVar variation 3353905 (VCV003353905.1).